The following is an entry in ClinVar:

NM_016507.4(CDK12):c.383C>T (p.Thr128Ile)

Genes: CDK12 (cyclin dependent kinase 12; plus strand), LOC126862553 (CDK7 strongly-dependent group 2 enhancer GRCh37_chr17:37618166-37619365; plus strand). Cytogenetic location: 17q12.
Variant type: single nucleotide variant.
Coding change: c.383C>T on transcript NM_016507.4 (MANE Select); coding-DNA position 383, C replaced by T.
Protein change: p.Thr128Ile; replaces threonine 128 with isoleucine.
Molecular consequence: missense variant.
Genome position (GRCh38, 1-based): chr17:39,462,454, C>T. VCF-style: chr17-39462454-C-T. GRCh37 (hg19) VCF-style: chr17-37618707-C-T.
Other names: c.383C>T, p.Thr128Ile (NM_015083.4); short protein forms T128I.
Identifiers: ClinVar variation 4651419 (VCV004651419.1).

ClinVar aggregate classification (germline): Uncertain significance (1 of 4 stars; one submission).

gnomAD v4.1: 3 of 1,613,816 alleles (0.00019%); highest among the groups gnomAD compares: Non-Finnish European, 0.00025%; no homozygotes.

Submission:

Ambry Genetics
Classification: Uncertain significance. Last evaluated: 2025-10-30. Review status: criteria provided, single submitter. Criteria: Ambry Variant Classification Scheme 2023. Collection method: clinical testing. Allele origin: germline.
Comment: The p.T128I variant (also known as c.383C>T), located in coding exon 1 of the CDK12 gene, results from a C to T substitution at nucleotide position 383. The threonine at codon 128 is replaced by isoleucine, an amino acid with similar properties. This amino acid position is conserved. In addition, this alteration is predicted to be tolerated by in silico analysis. Based on the available evidence, the clinical significance of this variant remains unclear.